The following is an entry in ClinVar:

ClinVar aggregate classification (germline): Likely benign. Review status: criteria provided, multiple submitters, no conflicts (2 of 4 stars). 2 submissions from 2 submitters: Likely benign (2). Last evaluated 2025-07-09.

Submissions (2):

Labcorp Genetics (formerly Invitae), Labcorp
Classification: Likely benign. Last evaluated: 2025-07-09. Review status: criteria provided, single submitter. Criteria: Invitae Variant Classification Sherloc (09022015). Collection method: clinical testing. Allele origin: germline.

GeneDx
Classification: Likely benign. Last evaluated: 2018-03-02. Review status: criteria provided, single submitter. Criteria: GeneDx Variant Classification (06012015). Collection method: clinical testing. Allele origin: germline. Affected: yes.
Comment: This variant is considered likely benign or benign based on one or more of the following criteria: it is a conservative change, it occurs at a poorly conserved position in the protein, it is predicted to be benign by multiple in silico algorithms, and/or has population frequency not consistent with disease.

NM_001367624.2(ZNF469):c.3654G>C (p.Ser1218=)

Gene: ZNF469 (zinc finger protein 469; plus strand). Cytogenetic location: 16q24.2.
Variant type: single nucleotide variant.
Coding change: c.3654G>C on transcript NM_001367624.2 (MANE Select); coding-DNA position 3654, G replaced by C.
Protein change: p.Ser1218=; no amino-acid change (serine 1218 retained).
Molecular consequence: synonymous variant.
Genome position (GRCh38, 1-based): chr16:88,431,124, G>C. VCF-style: chr16-88431124-G-C. GRCh37 (hg19) VCF-style: chr16-88497532-G-C.
Identifiers: ClinVar variation 515817 (VCV000515817.5), dbSNP rs1555519186, ClinGen allele CA497354363.